The following is an entry in ClinVar:

ClinVar aggregate classification (germline): Uncertain significance (1 of 4 stars; one submission).

gnomAD v4.1: 1 of 1,614,188 alleles (0.000062%); highest among the groups gnomAD compares: South Asian, 0.0011%; no homozygotes.

Submission:

Labcorp Genetics (formerly Invitae), Labcorp
Classification: Uncertain significance. Last evaluated: 2022-02-09. Review status: criteria provided, single submitter. Criteria: Invitae Variant Classification Sherloc (09022015). Collection method: clinical testing. Allele origin: germline.
Comment: In summary, the available evidence is currently insufficient to determine the role of this variant in disease. Therefore, it has been classified as a Variant of Uncertain Significance. Algorithms developed to predict the effect of missense changes on protein structure and function output the following: SIFT: "Deleterious"; PolyPhen-2: "Benign"; Align-GVGD: "Class C0". The isoleucine amino acid residue is found in multiple mammalian species, which suggests that this missense change does not adversely affect protein function. This sequence change replaces threonine, which is neutral and polar, with isoleucine, which is neutral and non-polar, at codon 200 of the CAPN5 protein (p.Thr200Ile). This variant is not present in population databases (gnomAD no frequency). This variant has not been reported in the literature in individuals affected with CAPN5-related conditions.

NM_004055.5(CAPN5):c.599C>T (p.Thr200Ile)

Gene: CAPN5 (calpain 5; plus strand). Cytogenetic location: 11q13.5.
Variant type: single nucleotide variant.
Coding change: c.599C>T on transcript NM_004055.5 (MANE Select); coding-DNA position 599, C replaced by T.
Protein change: p.Thr200Ile; replaces threonine 200 with isoleucine.
Molecular consequence: missense variant.
Genome position (GRCh38, 1-based): chr11:77,114,334, C>T. VCF-style: chr11-77114334-C-T. GRCh37 (hg19) VCF-style: chr11-76825380-C-T.
Other names: short protein forms T200I.
Identifiers: ClinVar variation 1377201 (VCV001377201.6), dbSNP rs782369375, ClinGen allele CA381937952.